The following is an entry in ClinVar:

ClinVar aggregate classification (germline): Uncertain significance (1 of 4 stars; one submission).

Submission:

Ambry Genetics
Classification: Uncertain significance. Last evaluated: 2020-11-16. Review status: criteria provided, single submitter. Criteria: Ambry Variant Classification Scheme 2023. Collection method: clinical testing. Allele origin: germline.
Comment: The p.K626E variant (also known as c.1876A>G), located in coding exon 12 of the RINT1 gene, results from an A to G substitution at nucleotide position 1876. The lysine at codon 626 is replaced by glutamic acid, an amino acid with similar properties. This amino acid position is not well conserved in available vertebrate species. In addition, this alteration is predicted to be tolerated by in silico analysis. Since supporting evidence is limited at this time, the clinical significance of this alteration remains unclear.

NM_021930.6(RINT1):c.1876A>G (p.Lys626Glu)

Gene: RINT1 (RAD50 interactor 1; plus strand). Cytogenetic location: 7q22.3.
Variant type: single nucleotide variant.
Coding change: c.1876A>G on transcript NM_021930.6 (MANE Select); coding-DNA position 1876, A replaced by G.
Protein change: p.Lys626Glu; replaces lysine 626 with glutamic acid.
Molecular consequence: missense variant. On other transcripts: non-coding transcript variant (1).
Genome position (GRCh38, 1-based): chr7:105,563,937, A>G. VCF-style: chr7-105563937-A-G. GRCh37 (hg19) VCF-style: chr7-105204384-A-G.
Other names: c.1642A>G, p.Lys548Glu (NM_001346599.2); c.853A>G, p.Lys285Glu (NM_001346600.2, NM_001346603.2); c.952A>G, p.Lys318Glu (NM_001346601.2); short protein forms K285E, K318E, K548E, K626E.
Identifiers: ClinVar variation 1781778 (VCV001781778.2), dbSNP rs2485176579, ClinGen allele CA368814308.